The following is an entry in ClinVar:

ClinVar aggregate classification (germline): Uncertain significance. Review status: criteria provided, multiple submitters, no conflicts (2 of 4 stars). 2 submissions from 2 submitters: Uncertain significance (2). Last evaluated 2025-03-19.

Conditions:
Inborn genetic diseases. Identifiers: MedGen C0950123, MeSH D030342.

Allele frequency attached by ClinVar (database versions not stated): gnomAD exomes below 0.00001; gnomAD 0.00001.
gnomAD v4.1: 3 of 1,613,454 alleles (0.00019%); highest among the groups gnomAD compares: Non-Finnish European, 0.00025%; no homozygotes.

Submissions (2):

Ambry Genetics
Classification: Uncertain significance for Inborn genetic diseases. Last evaluated: 2025-03-19. Review status: criteria provided, single submitter. Criteria: Ambry Variant Classification Scheme 2023. Collection method: clinical testing. Allele origin: germline.
Comment: The p.T360I variant (also known as c.1079C>T), located in coding exon 10 of the DDX41 gene, results from a C to T substitution at nucleotide position 1079. The threonine at codon 360 is replaced by isoleucine, an amino acid with similar properties. This amino acid position is highly conserved in available vertebrate species. In addition, the in silico prediction for this alteration is inconclusive. Based on the available evidence, the clinical significance of this variant remains unclear.

Genetic Services Laboratory, University of Chicago
Classification: Uncertain significance. Last evaluated: 2020-08-31. Review status: criteria provided, single submitter. Criteria: ACMG Guidelines, 2015. Collection method: clinical testing. Allele origin: germline. Affected: no.
Comment: DNA sequence analysis of the DDX41 gene demonstrated a sequence change, c.1079C>T, in exon 10 that results in an amino acid change, p.Thr360Ile. This sequence change does not appear to have been previously described in patients with DDX41-related disorders and has been described in the gnomAD database in one individual, with an overall population frequency of 0.003% (dbSNP rs1284223764). The p.Thr360Ile change affects a moderately conserved amino acid residue located in the DEAD-box domain of the DDX41 protein, a region where other pathogenic variants have been described. In-silico pathogenicity prediction tools (SIFT, PolyPhen2, Align GVGD, REVEL) provide contradictory results for the p.Thr360Ile substitution. Due to these contrasting evidences and the lack of functional studies, the clinical significance of the p.Thr360Ile change remains unknown at this time.

NM_016222.4(DDX41):c.1079C>T (p.Thr360Ile)

Gene: DDX41 (DEAD-box helicase 41; minus strand). Cytogenetic location: 5q35.3.
Variant type: single nucleotide variant.
Coding change: c.1079C>T on transcript NM_016222.4 (MANE Select); coding-DNA position 1079, C replaced by T.
Protein change: p.Thr360Ile; replaces threonine 360 with isoleucine.
Molecular consequence: missense variant.
Genome position (GRCh38, 1-based): chr5:177,513,704, G>A on the plus strand (C>T on the coding strand, the complement: DDX41 is on the minus strand). VCF-style: chr5-177513704-G-A. GRCh37 (hg19) VCF-style: chr5-176940705-G-A.
Other names: c.701C>T, p.Thr234Ile (NM_001321732.2, NM_001321830.2); c.1079C>T (NM_016222.2); short protein forms T234I, T360I.
Identifiers: ClinVar variation 1337724 (VCV001337724.5), dbSNP rs1284223764, ClinGen allele CA362374192.
Genomic context (GRCh38, chr5:177,513,704, plus strand): 5'-GGGGGGCGGTGCAGGGTGCCCTGGCCGGGCGGGGGCGGCACCTTGAAGTAGGAGAAGATG[G>A]TACGGATGTCACCCTCGAAGCCCATGTCGATCATGCGGTCAGCCTCGTCCAGGGCCAGGT-3'
Protein context (NP_057306.2, residues 350-370): IDMGFEGDIR[Thr360Ile]IFSYFKGQRQ